The following is an entry in ClinVar:

NM_002427.4(MMP13):c.287_293del (p.Cys96fs)

Genes: MMP13 (matrix metallopeptidase 13; minus strand), LOC126861318 (BRD4-independent group 4 enhancer GRCh37_chr11:102825894-102827093; plus strand). Cytogenetic location: 11q22.2.
Variant type: Deletion.
Coding change: c.287_293del on transcript NM_002427.4 (MANE Select); coding-DNA positions 287 to 293, 7 bases deleted (GCGGGGT; older notation c.287_293delGCGGGGT).
Protein change: p.Cys96fs; shifts the reading frame from cysteine 96.
Molecular consequence: frameshift variant.
Genome position (GRCh38, 1-based): chr11:102,955,321-102,955,327, ACCCCGC deleted on the plus strand (GCGGGGT on the coding strand, the reverse complement: MMP13 is on the minus strand); deleting any 7 consecutive bases within chr11:102,955,321-102,955,328 gives the same sequence; the c. name uses the placement nearest the transcript's 3' end. VCF-style (leftmost placement, unchanged base first): chr11-102955320-AACCCCGC-A. GRCh37 (hg19) VCF-style: chr11-102826049-AACCCCGC-A.
Other names: short protein forms C96fs.
Identifiers: ClinVar variation 284374 (VCV000284374.11), dbSNP rs886042854, ClinGen allele CA10604775.

ClinVar aggregate classification (germline): Conflicting classifications of pathogenicity. Review status: criteria provided, conflicting classifications (1 of 4 stars). 2 submissions from 2 submitters: Pathogenic (1); Uncertain significance (1). Last evaluated 2024-09-03.

Submissions (2):

Labcorp Genetics (formerly Invitae), Labcorp
Classification: Pathogenic. Last evaluated: 2024-09-03. Review status: criteria provided, single submitter. Criteria: Invitae Variant Classification Sherloc (09022015). Collection method: clinical testing. Allele origin: germline.
Comment: This sequence change creates a premature translational stop signal (p.Cys96Phefs*19) in the MMP13 gene. It is expected to result in an absent or disrupted protein product. Loss-of-function variants in MMP13 are known to be pathogenic (PMID: 24781753, 31413057). This variant is present in population databases (no rsID available, gnomAD 0.01%). This variant has not been reported in the literature in individuals affected with MMP13-related conditions. ClinVar contains an entry for this variant (Variation ID: 284374). Algorithms developed to predict the effect of sequence changes on RNA splicing suggest that this variant may disrupt the consensus splice site. For these reasons, this variant has been classified as Pathogenic.

Eurofins Ntd Llc (ga)
Classification: Uncertain significance. Last evaluated: 2015-11-10. Review status: criteria provided, single submitter. Criteria: EGL Classification Definitions 2015. Collection method: clinical testing. Allele origin: germline.

Literature cited by the submitters: PubMed 24781753 (cited by Labcorp Genetics (formerly Invitae), Labcorp); PubMed 31413057 (cited by Labcorp Genetics (formerly Invitae), Labcorp).